The following is an entry in ClinVar:

ClinVar aggregate classification (germline): Uncertain significance (1 of 4 stars; one submission).

Conditions:
Cardiovascular phenotype. Identifiers: MedGen CN230736.

Submission:

Ambry Genetics
Classification: Uncertain significance for Cardiovascular phenotype. Last evaluated: 2025-05-08. Review status: criteria provided, single submitter. Criteria: Ambry Variant Classification Scheme 2023. Collection method: clinical testing. Allele origin: germline.
Comment: The p.D1800N variant (also known as c.5398G>A), located in coding exon 26 of the APOB gene, results from a G to A substitution at nucleotide position 5398. The aspartic acid at codon 1800 is replaced by asparagine, an amino acid with highly similar properties. This amino acid position is conserved. In addition, this alteration is predicted to be tolerated by in silico analysis. Based on the available evidence, the clinical significance of this variant remains unclear.

NM_000384.3(APOB):c.5398G>A (p.Asp1800Asn)

Gene: APOB (apolipoprotein B; minus strand). Cytogenetic location: 2p24.1.
Variant type: single nucleotide variant.
Coding change: c.5398G>A on transcript NM_000384.3 (MANE Select); coding-DNA position 5398, G replaced by A.
Protein change: p.Asp1800Asn; replaces aspartic acid 1800 with asparagine.
Molecular consequence: missense variant.
Genome position (GRCh38, 1-based): chr2:21,011,470, C>T on the plus strand (G>A on the coding strand, the complement: APOB is on the minus strand). VCF-style: chr2-21011470-C-T. GRCh37 (hg19) VCF-style: chr2-21234342-C-T.
Other names: short protein forms D1800N.
Identifiers: ClinVar variation 3933071 (VCV003933071.1).